The following is an entry in ClinVar:

ClinVar aggregate classification (germline): Pathogenic (1 of 4 stars; one submission).

Conditions:
Hereditary cancer-predisposing syndrome. Also called: Neoplastic Syndromes, Hereditary; Tumor predisposition; Hereditary Cancer Syndrome; Hereditary neoplastic syndrome. Identifiers: Orphanet 140162, MedGen C0027672, MeSH D009386, MONDO:0015356.

Submission:

Ambry Genetics
Classification: Pathogenic for Hereditary cancer-predisposing syndrome. Last evaluated: 2024-09-04. Review status: criteria provided, single submitter. Criteria: Ambry Variant Classification Scheme 2023. Collection method: clinical testing. Allele origin: germline.
Comment: The c.667_671delGTTTA variant, located in coding exon 4 of the RAD51C gene, results from a deletion of 5 nucleotides at nucleotide positions 667 to 671, causing a translational frameshift with a predicted alternate stop codon (p.V223Sfs*27). This variant is considered to be rare based on population cohorts in the Genome Aggregation Database (gnomAD). This alteration is expected to result in loss of function by premature protein truncation or nonsense-mediated mRNA decay. As such, this alteration is interpreted as a disease-causing mutation.

NM_058216.3(RAD51C):c.667_671del (p.Val223fs)

Genes: RAD51C (RAD51 paralog C; plus strand), LOC129390903 (MPRA-validated peak2919 silencer; plus strand). Cytogenetic location: 17q22.
Variant type: Deletion.
Coding change: c.667_671del on transcript NM_058216.3 (MANE Select); coding-DNA positions 667 to 671, 5 bases deleted (GTTTA; older notation c.667_671delGTTTA).
Protein change: p.Val223fs; shifts the reading frame from valine 223.
Molecular consequence: frameshift variant. On other transcripts: non-coding transcript variant (1).
Genome position (GRCh38, 1-based): chr17:58,703,291-58,703,295, GTTTA deleted; deleting any 5 consecutive bases within chr17:58,703,290-58,703,295 gives the same sequence; the c. name uses the placement nearest the transcript's 3' end. VCF-style (leftmost placement, unchanged base first): chr17-58703289-AAGTTT-A. GRCh37 (hg19) VCF-style: chr17-56780650-AAGTTT-A.
Other names: short protein forms V223fs.
Identifiers: ClinVar variation 3429712 (VCV003429712.1).
Genomic context (GRCh38, chr17:58,703,289, plus strand): 5'-ATAATATTCTTTCTCATATTTATTATTTTCGCTGTCGTGACTACACAGAGTTACTGGCAC[AAGTTT>A]ATCTTCTTCCAGATTTCCTTTCAGAACACTCAAAGGTATGAGTCAGACTACTGAAATGTA-3'